The following is an entry in ClinVar:

NM_002880.4(RAF1):c.581+5G>A

Gene: RAF1 (Raf-1 proto-oncogene, serine/threonine kinase; minus strand). Cytogenetic location: 3p25.2.
Variant type: single nucleotide variant.
Coding change: c.581+5G>A on transcript NM_002880.4 (MANE Select); 5 bases into the intron after coding-DNA position 581, G replaced by A.
Molecular consequence: intron variant.
Genome position (GRCh38, 1-based): chr3:12,608,761, C>T on the plus strand (G>A on the coding strand, the complement: RAF1 is on the minus strand). VCF-style: chr3-12608761-C-T. GRCh37 (hg19) VCF-style: chr3-12650260-C-T.
Other names: c.581+5G>A (NM_001354690.3, NM_001354693.3, NM_001354689.3); c.338+5G>A (NM_001354695.3, NM_001354692.3, NM_001354694.3 and 1 more transcripts).
Identifiers: ClinVar variation 3602792 (VCV003602792.2).

ClinVar aggregate classification (germline): Conflicting classifications of pathogenicity. Review status: criteria provided, conflicting classifications (1 of 4 stars). 2 submissions from 1 submitter: Likely pathogenic (1); Uncertain significance (1). Last evaluated 2024-10-20.

Conditions:
Noonan syndrome (NS). Also called: Noonan's syndrome. Identifiers: Orphanet 648, MedGen C0028326, MeSH D009634, MONDO:0018997. Disease mechanism: gain of function.
Trigonitis. Identifiers: MedGen C1261278, MONDO:0001732.

Submissions (2):

Petrovsky National Research Centre of Surgery, The Federal Agency for Scientific Organizations
Classification: Likely pathogenic for Trigonitis. Last evaluated: 2024-10-20. Review status: criteria provided, single submitter. Criteria: ACMG Guidelines, 2015. Collection method: clinical testing. Allele origin: germline. Inheritance: Autosomal dominant inheritance. Affected: yes. Observed: 1 heterozygote.
Comment: This variant is absent in The Genome Aggregation Database (gnomAD) v2.1.1 and v4.1.0 (Date of access with 17-09-2024). Online bioinformatic resources classify the c.581+5G>A variant as probably pathogenic. However, in the absence of the functional studies, we could classify this genetic variant as a Likely Pathogenic with following criteria: PM2, PP3, PS2.

Petrovsky National Research Centre of Surgery, The Federal Agency for Scientific Organizations
Classification: Uncertain significance for Noonan syndrome. Last evaluated: 2024-09-17. Review status: criteria provided, single submitter. Criteria: ACMG Guidelines, 2015. Collection method: research. Allele origin: unknown. Inheritance: Autosomal dominant inheritance. Affected: yes. Observed: 1 heterozygote.
Comment: This variant is absent in The Genome Aggregation Database (gnomAD) v2.1.1 and v4.1.0 (Date of access with 17-09-2024). Online bioinformatic resources classify the c.581+5G>A variant as probably pathogenic. However, in the absence of the functional studies, we could only classify this genetic variant as a Variant of Uncertain Significance with following criteria: PM2, PP3.